The following is an entry in ClinVar:

ClinVar aggregate classification (germline): Pathogenic (1 of 4 stars; one submission).

Conditions:
Short-rib thoracic dysplasia 7 with or without polydactyly (SRTD7). Also called: Short rib polydactyly syndrome 5; SHORT-RIB THORACIC DYSPLASIA 7 WITH POLYDACTYLY. Identifiers: Orphanet 498497, Orphanet 93271, MedGen C3279792, MONDO:0013569, OMIM 614091.
Cranioectodermal dysplasia 2 (CED2). Identifiers: Orphanet 1515, MedGen C3150874, MONDO:0013323, OMIM 613610.

Submission:

Labcorp Genetics (formerly Invitae), Labcorp
Classification: Pathogenic for Cranioectodermal dysplasia 2; Short-rib thoracic dysplasia 7 with or without polydactyly. Last evaluated: 2024-09-27. Review status: criteria provided, single submitter. Criteria: Invitae Variant Classification Sherloc (09022015). Collection method: clinical testing. Allele origin: germline.
Comment: This sequence change creates a premature translational stop signal (p.Leu916Valfs*3) in the WDR35 gene. It is expected to result in an absent or disrupted protein product. Loss-of-function variants in WDR35 are known to be pathogenic (PMID: 22486404, 29068549). This variant is not present in population databases (gnomAD no frequency). This variant has not been reported in the literature in individuals affected with WDR35-related conditions. For these reasons, this variant has been classified as Pathogenic.

Literature cited by the submitters: PubMed 22486404; PubMed 29068549.

NM_020779.4(WDR35):c.2713_2714del (p.Leu905fs)

Gene: WDR35 (WD repeat domain 35; minus strand). Cytogenetic location: 2p24.1.
Variant type: Microsatellite.
Coding change: c.2713_2714del on transcript NM_020779.4 (MANE Select); coding-DNA positions 2713 to 2714, 2 bases deleted (CT; older notation c.2713_2714delCT).
Protein change: p.Leu905fs; shifts the reading frame from leucine 905.
Molecular consequence: frameshift variant.
Genome position (GRCh38, 1-based): chr2:19,932,392-19,932,393, AG deleted on the plus strand (CT on the coding strand, the reverse complement: WDR35 is on the minus strand); deleting any 2 consecutive bases within chr2:19,932,392-19,932,396 gives the same sequence; the c. name uses the placement nearest the transcript's 3' end. VCF-style (leftmost placement, unchanged base first): chr2-19932391-CAG-C. GRCh37 (hg19) VCF-style: chr2-20132152-CAG-C.
Other names: c.2746_2747del, p.Leu916fs (NM_001006657.2); short protein forms L905fs, L916fs.
Identifiers: ClinVar variation 3751016 (VCV003751016.2).
Genomic context (GRCh38, chr2:19,932,391, plus strand): 5'-GAGTTCTATGGCATCAAGAGTTTTATTCTTTTCCAGTAAATGAGATGCATACCTAGCTAA[CAG>C]AGATCCAATTTCTTTCATACTATGATTTTTAGCCAATTCAACAGCTTTGTTCCACTAGGA-3'